The following is an entry in ClinVar:

ClinVar aggregate classification (germline): Pathogenic (1 of 4 stars; one submission).

Conditions:
Hereditary breast ovarian cancer syndrome. Also called: Hereditary breast and ovarian cancer syndrome (HBOC); Hereditary breast and/or ovarian cancer syndrome; Hereditary breast and ovarian cancer; BRCA1- and BRCA2-Associated Hereditary Breast and Ovarian Cancer; Hereditary breast and ovarian cancer syndrome; Breast and ovarian cancer. Identifiers: Orphanet 145, MedGen C0677776, MeSH D061325, MONDO:0003582. Disease mechanism: loss of function.

Submission:

Labcorp Genetics (formerly Invitae), Labcorp
Classification: Pathogenic for Hereditary breast ovarian cancer syndrome. Last evaluated: 2020-08-31. Review status: criteria provided, single submitter. Criteria: Invitae Variant Classification Sherloc (09022015). Collection method: clinical testing. Allele origin: germline.
Comment: This variant is an out-of-frame deletion of the genomic region encompassing exons 7-8 of the BRCA1 gene. This creates a premature translational stop signal and is expected to result in an absent or disrupted protein product. Similar deletions of exons 7-8 have been reported in individuals and families affected with hereditary breast and ovarian cancer (PMID: 18703817, 16551709, 10862036). These deletions are also known as deletions of exons 8-9 in the literature. Loss-of-function variants in BRCA1 are known to be pathogenic (PMID: 20104584). For these reasons, this variant has been classified as Pathogenic.

Literature cited by the submitters: PubMed 18703817; PubMed 16551709; PubMed 10862036; PubMed 20104584.

NC_000017.10:g.(?_41249241)_(41251921_?)del

Gene: BRCA1 (BRCA1 DNA repair associated; minus strand). Cytogenetic location: 17q21.31.
Variant type: Deletion.
Identifiers: ClinVar variation 1073300 (VCV001073300.1).